The following is an entry in ClinVar:

ClinVar aggregate classification (germline): Uncertain significance (1 of 4 stars; one submission).

Conditions:
Cardiovascular phenotype. Identifiers: MedGen CN230736.

gnomAD v4.1: 2 of 1,611,908 alleles (0.00012%); highest among the groups gnomAD compares: African/African-American, 0.0027%; no homozygotes.

Submission:

Ambry Genetics
Classification: Uncertain significance for Cardiovascular phenotype. Last evaluated: 2026-02-24. Review status: criteria provided, single submitter. Criteria: Ambry Variant Classification Scheme 2023. Collection method: clinical testing. Allele origin: germline.
Comment: The p.S167A variant (also known as c.499T>G), located in coding exon 3 of the ACVRL1 gene, results from a T to G substitution at nucleotide position 499. The serine at codon 167 is replaced by alanine, an amino acid with similar properties. This amino acid position is conserved. In addition, the in silico prediction for this alteration is inconclusive. Based on the available evidence, the clinical significance of this variant remains unclear.

NM_000020.3(ACVRL1):c.499T>G (p.Ser167Ala)

Gene: ACVRL1 (activin A receptor like type 1; plus strand). Cytogenetic location: 12q13.13.
Variant type: single nucleotide variant.
Coding change: c.499T>G on transcript NM_000020.3 (MANE Select); coding-DNA position 499, T replaced by G.
Protein change: p.Ser167Ala; replaces serine 167 with alanine.
Molecular consequence: missense variant. On other transcripts: intron variant (6).
Genome position (GRCh38, 1-based): chr12:51,913,744, T>G. VCF-style: chr12-51913744-T-G. GRCh37 (hg19) VCF-style: chr12-52307528-T-G.
Other names: c.499T>G, p.Ser167Ala (NM_001077401.2, NM_001406487.1, NM_001406488.1 and 1 more transcripts); c.313+394T>G (NM_001406491.1, NM_001406490.1, NM_001406492.1 and 2 more transcripts); c.62-695T>G (NM_001406495.1); short protein forms S167A.
Identifiers: ClinVar variation 4843561 (VCV004843561.1).